The following is an entry in ClinVar:

NM_005413.4(SIX3):c.275T>G (p.Val92Gly)

Gene: SIX3 (SIX homeobox 3; plus strand). Cytogenetic location: 2p21.
Variant type: single nucleotide variant.
Coding change: c.275T>G on transcript NM_005413.4 (MANE Select); coding-DNA position 275, T replaced by G.
Protein change: p.Val92Gly; replaces valine 92 with glycine.
Molecular consequence: missense variant.
Genome position (GRCh38, 1-based): chr2:44,942,379, T>G. VCF-style: chr2-44942379-T-G. GRCh37 (hg19) VCF-style: chr2-45169518-T-G.
Other names: short protein forms V92G.
Identifiers: ClinVar variation 2734182 (VCV002734182.3), dbSNP rs2466513762, ClinGen allele CA346799226.

ClinVar aggregate classification (germline): Pathogenic (1 of 4 stars; one submission).

Conditions:
Holoprosencephaly 2 (HPE2). Identifiers: Orphanet 2162, MedGen C1834877, MONDO:0007999, OMIM 157170.

Submission:

Labcorp Genetics (formerly Invitae), Labcorp
Classification: Pathogenic for Holoprosencephaly 2. Last evaluated: 2023-10-29. Review status: criteria provided, single submitter. Criteria: Invitae Variant Classification Sherloc (09022015). Collection method: clinical testing. Allele origin: germline.
Comment: This sequence change replaces valine, which is neutral and non-polar, with glycine, which is neutral and non-polar, at codon 92 of the SIX3 protein (p.Val92Gly). This variant is not present in population databases (gnomAD no frequency). This missense change has been observed in individuals with holoprosencephaly (PMID: 14711609, 15221788; Invitae). It has also been observed to segregate with disease in related individuals. Advanced modeling of protein sequence and biophysical properties (such as structural, functional, and spatial information, amino acid conservation, physicochemical variation, residue mobility, and thermodynamic stability) performed at Invitae indicates that this missense variant is expected to disrupt SIX3 protein function with a positive predictive value of 80%. Experimental studies have shown that this missense change affects SIX3 function (PMID: 35951005). For these reasons, this variant has been classified as Pathogenic.

Literature cited by the submitters: PubMed 14711609; PubMed 15221788; PubMed 35951005.